The following is an entry in ClinVar:

ClinVar aggregate classification (germline): Uncertain significance. Review status: criteria provided, multiple submitters, no conflicts (2 of 4 stars). 2 submissions from 2 submitters: Uncertain significance (2). Last evaluated 2025-06-07.

Conditions:
Inborn genetic diseases. Identifiers: MedGen C0950123, MeSH D030342.

Allele frequency attached by ClinVar (database versions not stated): gnomAD exomes below 0.00001; gnomAD 0.00001; TOPMed 0.00001.
gnomAD v4.1: 8 of 1,614,060 alleles (0.0005%); highest among the groups gnomAD compares: East Asian, 0.0045%; no homozygotes.

Submissions (2):

Ambry Genetics
Classification: Uncertain significance for Inborn genetic diseases. Last evaluated: 2025-06-07. Review status: criteria provided, single submitter. Criteria: Ambry Variant Classification Scheme 2023. Collection method: clinical testing. Allele origin: germline.

Labcorp Genetics (formerly Invitae), Labcorp
Classification: Uncertain significance. Last evaluated: 2025-02-27. Review status: criteria provided, single submitter. Criteria: Invitae Variant Classification Sherloc (09022015). Collection method: clinical testing. Allele origin: germline.
Comment: This sequence change replaces proline, which is neutral and non-polar, with threonine, which is neutral and polar, at codon 611 of the ALPK1 protein (p.Pro611Thr). This variant is present in population databases (no rsID available, gnomAD 0.002%). This variant has not been reported in the literature in individuals affected with ALPK1-related conditions. ClinVar contains an entry for this variant (Variation ID: 1979192). Invitae Evidence Modeling of protein sequence and biophysical properties (such as structural, functional, and spatial information, amino acid conservation, physicochemical variation, residue mobility, and thermodynamic stability) indicates that this missense variant is not expected to disrupt ALPK1 protein function with a negative predictive value of 80%. In summary, the available evidence is currently insufficient to determine the role of this variant in disease. Therefore, it has been classified as a Variant of Uncertain Significance.

NM_025144.4(ALPK1):c.1831C>A (p.Pro611Thr)

Gene: ALPK1 (alpha kinase 1; plus strand). Cytogenetic location: 4q25.
Variant type: single nucleotide variant.
Coding change: c.1831C>A on transcript NM_025144.4 (MANE Select); coding-DNA position 1831, C replaced by A.
Protein change: p.Pro611Thr; replaces proline 611 with threonine.
Molecular consequence: missense variant.
Genome position (GRCh38, 1-based): chr4:112,431,378, C>A. VCF-style: chr4-112431378-C-A. GRCh37 (hg19) VCF-style: chr4-113352534-C-A.
Other names: c.1831C>A, p.Pro611Thr (NM_001102406.2); c.1597C>A, p.Pro533Thr (NM_001253884.2); short protein forms P533T, P611T.
Identifiers: ClinVar variation 1979192 (VCV001979192.6), dbSNP rs1306422248, ClinGen allele CA357896216.